The following is an entry in ClinVar:

ClinVar aggregate classification (germline): Uncertain significance (1 of 4 stars; one submission).

Conditions:
Dilated cardiomyopathy 1O (CMD1O). Also called: CARDIOMYOPATHY, DILATED, WITH VENTRICULAR TACHYCARDIA. Identifiers: Orphanet 154, MedGen C1837839, MONDO:0012062, OMIM 608569.

gnomAD v4.1: 4 of 1,611,874 alleles (0.00025%); highest among the groups gnomAD compares: East Asian, 0.0045%; no homozygotes.

Submission:

Labcorp Genetics (formerly Invitae), Labcorp
Classification: Uncertain significance for Dilated cardiomyopathy 1O. Last evaluated: 2025-04-09. Review status: criteria provided, single submitter. Criteria: Invitae Variant Classification Sherloc (09022015). Collection method: clinical testing. Allele origin: germline.
Comment: This sequence change falls in intron 5 of the ABCC9 gene. It does not directly change the encoded amino acid sequence of the ABCC9 protein. It affects a nucleotide within the consensus splice site. This variant is not present in population databases (gnomAD no frequency). This variant has not been reported in the literature in individuals affected with ABCC9-related conditions. Variants that disrupt the consensus splice site are a relatively common cause of aberrant splicing (PMID: 17576681, 9536098). Algorithms developed to predict the effect of sequence changes on RNA splicing suggest that this variant may disrupt the consensus splice site. In summary, the available evidence is currently insufficient to determine the role of this variant in disease. Therefore, it has been classified as a Variant of Uncertain Significance.

Literature cited by the submitters: PubMed 17576681; PubMed 9536098.

NM_020297.4(ABCC9):c.816+4A>C

Gene: ABCC9 (ATP binding cassette subfamily C member 9; minus strand). Cytogenetic location: 12p12.1.
Variant type: single nucleotide variant.
Coding change: c.816+4A>C on transcript NM_020297.4 (MANE Select); 4 bases into the intron after coding-DNA position 816, A replaced by C.
Molecular consequence: intron variant.
Genome position (GRCh38, 1-based): chr12:21,915,664, T>G on the plus strand (A>C on the coding strand, the complement: ABCC9 is on the minus strand). VCF-style: chr12-21915664-T-G. GRCh37 (hg19) VCF-style: chr12-22068598-T-G.
Other names: c.-48-2598A>C (NM_001377274.1); c.816+4A>C (NM_005691.4, NM_001377273.1).
Identifiers: ClinVar variation 4769187 (VCV004769187.1).